The following is an entry in ClinVar:

ClinVar aggregate classification (germline): Uncertain significance (1 of 4 stars; one submission).

Conditions:
Autosomal dominant nocturnal frontal lobe epilepsy 5. Also called: KCNT1-Related Epilepsy; CILIARY DYSKINESIA, PRIMARY, 28, WITHOUT SITUS INVERSUS; CILIARY DYSKINESIA, PRIMARY, 28, WITH SITUS INVERSUS; Epilepsy, nocturnal frontal lobe, 5. Identifiers: Orphanet 98784, MedGen C3554306, MONDO:0014002, OMIM 615005.
Developmental and epileptic encephalopathy, 14 (DEE14). Also called: Early infantile epileptic encephalopathy 14. Identifiers: Orphanet 293181, MedGen C3554195, MONDO:0013989, OMIM 614959.

Submission:

Labcorp Genetics (formerly Invitae), Labcorp
Classification: Uncertain significance for Autosomal dominant nocturnal frontal lobe epilepsy 5; Developmental and epileptic encephalopathy, 14. Last evaluated: 2024-12-24. Review status: criteria provided, single submitter. Criteria: Invitae Variant Classification Sherloc (09022015). Collection method: clinical testing. Allele origin: germline.
Comment: This sequence change creates a premature translational stop signal (p.Gln270*) in the KCNT1 gene. It is expected to result in an absent or disrupted protein product. However, the current clinical and genetic evidence is not sufficient to establish whether loss-of-function variants in KCNT1 cause disease. This variant is not present in population databases (gnomAD no frequency). This variant has not been reported in the literature in individuals affected with KCNT1-related conditions. In summary, the available evidence is currently insufficient to determine the role of this variant in disease. Therefore, it has been classified as a Variant of Uncertain Significance.

NM_020822.3(KCNT1):c.808C>T (p.Gln270Ter)

Gene: KCNT1 (potassium sodium-activated channel subfamily T member 1; plus strand). Cytogenetic location: 9q34.3.
Variant type: single nucleotide variant.
Coding change: c.808C>T on transcript NM_020822.3 (MANE Select); coding-DNA position 808, C replaced by T.
Protein change: p.Gln270Ter; replaces glutamine 270 with a stop codon.
Molecular consequence: nonsense.
Genome position (GRCh38, 1-based): chr9:135,758,462, C>T. VCF-style: chr9-135758462-C-T. GRCh37 (hg19) VCF-style: chr9-138650308-C-T.
Other names: c.664C>T, p.Gln222Ter (NM_001272003.2); short protein forms Q222*, Q270*.
Identifiers: ClinVar variation 3755913 (VCV003755913.2).